The following is an entry in ClinVar:

NM_005340.7(HINT1):c.112-29ATTT[3]

Gene: HINT1 (histidine triad nucleotide binding protein 1; minus strand). Cytogenetic location: 5q23.3.
Variant type: Microsatellite.
Coding change: c.112-29ATTT[3] on transcript NM_005340.7 (MANE Select); three copies in a row of the 4-base unit ATTT starting at c.112-29; the reference has four copies in a row; one copy, 4 bases deleted.
Molecular consequence: intron variant.
Genome position (GRCh38, 1-based): chr5:131,162,690-131,162,693, AAAT deleted on the plus strand (ATTT on the coding strand, the reverse complement: HINT1 is on the minus strand); deleting any 4 consecutive bases within chr5:131,162,690-131,162,705 gives the same sequence; the position shown is the placement nearest the transcript's 3' end. VCF-style (leftmost placement, unchanged base first): chr5-131162689-GAAAT-G. GRCh37 (hg19) VCF-style: chr5-130498382-GAAAT-G.
Other names: c.112-17_112-14delATTT (NM_005340.6).
Identifiers: ClinVar variation 420732 (VCV000420732.9), dbSNP rs1064794666, ClinGen allele CA16618114.

ClinVar aggregate classification (germline): Likely benign. Review status: criteria provided, multiple submitters, no conflicts (2 of 4 stars). 2 submissions from 2 submitters: Likely benign (2). Last evaluated 2025-09-24.

Conditions:
Autosomal recessive axonal neuropathy with neuromyotonia (NMAN). Also called: Neuromyotonia and axonal neuropathy, autosomal recessive; MYOKYMIA, MYOTONIA, AND MUSCLE WASTING; Gamstorp-Wohlfart syndrome. Identifiers: Orphanet 324442, MedGen C5700127, MONDO:0007646, OMIM 137200.

Submissions (2):

Labcorp Genetics (formerly Invitae), Labcorp
Classification: Likely benign for Autosomal recessive axonal neuropathy with neuromyotonia. Last evaluated: 2025-09-24. Review status: criteria provided, single submitter. Criteria: Invitae Variant Classification Sherloc (09022015). Collection method: clinical testing. Allele origin: germline.

GeneDx
Classification: Likely benign. Last evaluated: 2016-03-31. Review status: criteria provided, single submitter. Criteria: GeneDx Variant Classification (06012015). Collection method: clinical testing. Allele origin: germline. Affected: yes.
Comment: This variant is considered likely benign or benign based on one or more of the following criteria: it is a conservative change, it occurs at a poorly conserved position in the protein, it is predicted to be benign by multiple in silico algorithms, and/or has population frequency not consistent with disease.